The following is an entry in ClinVar:

ClinVar aggregate classification (germline): Uncertain significance (1 of 4 stars; one submission).

Conditions:
Neurofibromatosis, type 1 (NF1). Also called: Peripheral type neurofibromatosis; Neurofibromatosis, type I; VON RECKLINGHAUSEN DISEASE; NEUROFIBROMATOSIS, TYPE I, SOMATIC. Identifiers: Orphanet 636, MedGen C0027831, MONDO:0018975, OMIM 162200. Disease mechanism: loss of function.

Submission:

Labcorp Genetics (formerly Invitae), Labcorp
Classification: Uncertain significance for Neurofibromatosis, type 1. Last evaluated: 2022-02-19. Review status: criteria provided, single submitter. Criteria: Invitae Variant Classification Sherloc (09022015). Collection method: clinical testing. Allele origin: germline.
Comment: In summary, the available evidence is currently insufficient to determine the role of this variant in disease. Therefore, it has been classified as a Variant of Uncertain Significance. This sequence change replaces proline, which is neutral and non-polar, with leucine, which is neutral and non-polar, at codon 1395 of the NF1 protein (p.Pro1395Leu). Information on the frequency of this variant in the gnomAD database is not available, as this variant may be reported differently in the database. This variant has not been reported in the literature in individuals affected with NF1-related conditions. ClinVar contains an entry for this variant (Variation ID: 1051739). Algorithms developed to predict the effect of missense changes on protein structure and function are either unavailable or do not agree on the potential impact of this missense change (SIFT: "Not Available"; PolyPhen-2: "Possibly Damaging"; Align-GVGD: "Not Available").

NM_001042492.3(NF1):c.4247_4248delinsTC (p.Pro1416Leu)

Gene: NF1 (neurofibromin 1; plus strand). Cytogenetic location: 17q11.2.
Variant type: Indel.
Coding change: c.4247_4248delinsTC on transcript NM_001042492.3 (MANE Select); coding-DNA positions 4247 to 4248, CT replaced by TC.
Protein change: p.Pro1416Leu; replaces proline 1416 with leucine.
Molecular consequence: missense variant.
Genome position (GRCh38, 1-based): chr17:31,258,417-31,258,418, CT replaced by TC. VCF-style: chr17-31258417-CT-TC. GRCh37 (hg19) VCF-style: chr17-29585435-CT-TC.
Other names: c.4184_4185delCTinsTC, p.Pro1395Leu (NM_000267.4); short protein forms P1395L, P1416L.
Identifiers: ClinVar variation 1051739 (VCV001051739.5), dbSNP rs2151461995, ClinGen allele CA2499224128.